The following is an entry in ClinVar:

NM_000169.3(GLA):c.1025G>C (p.Arg342Pro)

Genes: GLA (galactosidase alpha; minus strand), RPL36A-HNRNPH2 (RPL36A-HNRNPH2 readthrough; plus strand). Cytogenetic location: Xq22.1.
Variant type: single nucleotide variant.
Coding change: c.1025G>C on transcript NM_000169.3 (MANE Select); coding-DNA position 1025, G replaced by C.
Protein change: p.Arg342Pro; replaces arginine 342 with proline.
Molecular consequence: missense variant. On other transcripts: non-coding transcript variant (3), intron variant (2).
Genome position (GRCh38, 1-based): chrX:101,398,074, C>G on the plus strand (G>C on the coding strand, the complement: GLA is on the minus strand). VCF-style: chrX-101398074-C-G. GRCh37 (hg19) VCF-style: chrX-100653062-C-G.
Other names: c.1148G>C, p.Arg383Pro (NM_001406747.1); c.300+2617C>G (NM_001199973.2); c.177+6252C>G (NM_001199974.2); short protein forms R342P, R383P.
Identifiers: ClinVar variation 4087621 (VCV004087621.2), dbSNP rs28935493.

ClinVar aggregate classification (germline): Likely pathogenic (1 of 4 stars; one submission).

Conditions:
Fabry disease. Also called: ALPHA-GALACTOSIDASE A DEFICIENCY; ANDERSON-FABRY DISEASE; CERAMIDE TRIHEXOSIDASE DEFICIENCY; GLA DEFICIENCY; HEREDITARY DYSTOPIC LIPIDOSIS; Angiokeratoma corporis diffusum. Identifiers: Orphanet 324, MedGen C0002986, MONDO:0010526, OMIM 301500, HP:0001071. Disease mechanism: Fabry disease is due to inactivating mutations in the X-linked GLA gene resulting in deficiency of the enzyme Alpha Galactosidase-A., loss of function.

Submission:

Genomenon, Inc
Classification: Likely pathogenic for Fabry disease. Last evaluated: 2026-09-08. Review status: criteria provided, single submitter. Criteria: Genomenon Sequence Variant Interpretation Standards - Updated. Collection method: curation. Allele origin: germline. Affected: yes.
Comment: GLA p.Arg342Pro (c.1025G>C) is a missense variant that changes the amino acid at codon 342 from Arginine to Proline. This variant has been observed in at least one proband with clinical features consistent with Fabry disease (PMID:26415523). At least one functional study has demonstrated a substantial alteration in protein function relative to the wild-type (PMID:32023956;26415523;27657681). It is absent or not present at a significant frequency in gnomAD. In silico models predict that this variant is possibly or probably damaging. In conclusion, we classify GLA p.Arg342Pro (c.1025G>C) as a likely pathogenic variant.

Literature cited by the submitters: PubMed 26415523; PubMed 32023956; PubMed 27657681.